The following is an entry in ClinVar:

NM_000138.5(FBN1):c.7406C>A (p.Ser2469Ter)

Gene: FBN1 (fibrillin 1; minus strand). Cytogenetic location: 15q21.1.
Variant type: single nucleotide variant.
Coding change: c.7406C>A on transcript NM_000138.5 (MANE Select); coding-DNA position 7406, C replaced by A.
Protein change: p.Ser2469Ter; replaces serine 2469 with a stop codon.
Molecular consequence: nonsense.
Genome position (GRCh38, 1-based): chr15:48,425,416, G>T on the plus strand (C>A on the coding strand, the complement: FBN1 is on the minus strand). VCF-style: chr15-48425416-G-T. GRCh37 (hg19) VCF-style: chr15-48717613-G-T.
Other names: c.7406C>A, p.Ser2469Ter (NM_001406716.1); short protein forms S2469*.
Identifiers: ClinVar variation 2587626 (VCV002587626.5), dbSNP rs2141226337, ClinGen allele CA392327775.

ClinVar aggregate classification (germline): Pathogenic. Review status: criteria provided, multiple submitters, no conflicts (2 of 4 stars). 2 submissions from 2 submitters: Pathogenic (2). Last evaluated 2024-03-16.

Conditions:
Familial thoracic aortic aneurysm and aortic dissection (TAAD). Also called: Thoracic aortic aneurysms and dissections. Identifiers: Orphanet 91387, MedGen C4707243, MONDO:0019625.
Marfan syndrome (MFS). Also called: MARFAN SYNDROME, TYPE I; Marfan syndrome type 1; Marfan's syndrome; Marfan syndrome, classic; FBN1-Related Marfan Syndrome. Identifiers: Orphanet 284963, Orphanet 558, MedGen C0024796, MONDO:0007947, OMIM 154700.

Submissions (2):

Labcorp Genetics (formerly Invitae), Labcorp
Classification: Pathogenic for Marfan syndrome; Familial thoracic aortic aneurysm and aortic dissection. Last evaluated: 2024-03-16. Review status: criteria provided, single submitter. Criteria: Invitae Variant Classification Sherloc (09022015). Collection method: clinical testing. Allele origin: germline.
Comment: This sequence change creates a premature translational stop signal (p.Ser2469*) in the FBN1 gene. It is expected to result in an absent or disrupted protein product. Loss-of-function variants in FBN1 are known to be pathogenic (PMID: 17657824, 19293843). This variant is not present in population databases (gnomAD no frequency). This variant has not been reported in the literature in individuals affected with FBN1-related conditions. ClinVar contains an entry for this variant (Variation ID: 2587626). For these reasons, this variant has been classified as Pathogenic.

Ambry Genetics
Classification: Pathogenic for Familial thoracic aortic aneurysm and aortic dissection. Last evaluated: 2023-09-02. Review status: criteria provided, single submitter. Criteria: Ambry Variant Classification Scheme 2023. Collection method: clinical testing. Allele origin: germline.
Comment: The p.S2469* pathogenic mutation (also known as c.7406C>A), located in coding exon 59 of the FBN1 gene, results from a C to A substitution at nucleotide position 7406. This changes the amino acid from a serine to a stop codon within coding exon 59. This variant is considered to be rare based on population cohorts in the Genome Aggregation Database (gnomAD). This alteration is expected to result in loss of function by premature protein truncation or nonsense-mediated mRNA decay. As such, this alteration is interpreted as a disease-causing mutation.

Literature cited by the submitters: PubMed 17657824 (cited by Labcorp Genetics (formerly Invitae), Labcorp); PubMed 19293843 (cited by Labcorp Genetics (formerly Invitae), Labcorp).